The following is an entry in ClinVar:

ClinVar aggregate classification (germline): Uncertain significance. Review status: criteria provided, multiple submitters, no conflicts (2 of 4 stars). 2 submissions from 2 submitters: Uncertain significance (2). Last evaluated 2026-05-13.

Conditions:
Hereditary cancer-predisposing syndrome. Also called: Tumor predisposition; Neoplastic Syndromes, Hereditary; Hereditary Cancer Syndrome; Hereditary neoplastic syndrome. Identifiers: Orphanet 140162, MedGen C0027672, MeSH D009386, MONDO:0015356.
Familial cancer of breast. Also called: BREAST CANCER, FAMILIAL; Hereditary breast cancer; hereditary breast carcinoma. Identifiers: Orphanet 227535, MedGen C0346153, MONDO:0016419, OMIM 114480. Disease mechanism: loss of function.

Submissions (2):

Ambry Genetics
Classification: Uncertain significance for Hereditary cancer-predisposing syndrome. Last evaluated: 2026-05-13. Review status: criteria provided, single submitter. Criteria: Ambry Variant Classification Scheme 2023. Collection method: clinical testing. Allele origin: germline.
Comment: The p.A91P variant (also known as c.271G>C), located in coding exon 1 of the CHEK2 gene, results from a G to C substitution at nucleotide position 271. The alanine at codon 91 is replaced by proline, an amino acid with highly similar properties. This amino acid position is not well conserved in available vertebrate species. In addition, the in silico prediction for this alteration is inconclusive. Based on the available evidence, the clinical significance of this variant remains unclear.

Labcorp Genetics (formerly Invitae), Labcorp
Classification: Uncertain significance for Familial cancer of breast. Last evaluated: 2021-03-16. Review status: criteria provided, single submitter. Criteria: Invitae Variant Classification Sherloc (09022015). Collection method: clinical testing. Allele origin: germline.
Comment: This variant has not been reported in the literature in individuals with CHEK2-related conditions. In summary, the available evidence is currently insufficient to determine the role of this variant in disease. Therefore, it has been classified as a Variant of Uncertain Significance. Algorithms developed to predict the effect of missense changes on protein structure and function are either unavailable or do not agree on the potential impact of this missense change (SIFT: "Tolerated"; PolyPhen-2: "Possibly Damaging"; Align-GVGD: "Class C0"). This variant is not present in population databases (ExAC no frequency). This sequence change replaces alanine with proline at codon 91 of the CHEK2 protein (p.Ala91Pro). The alanine residue is moderately conserved and there is a small physicochemical difference between alanine and proline.

NM_007194.4(CHEK2):c.271G>C (p.Ala91Pro)

Gene: CHEK2 (checkpoint kinase 2; minus strand). Cytogenetic location: 22q12.1.
Variant type: single nucleotide variant.
Coding change: c.271G>C on transcript NM_007194.4 (MANE Select); coding-DNA position 271, G replaced by C.
Protein change: p.Ala91Pro; replaces alanine 91 with proline.
Molecular consequence: missense variant.
Genome position (GRCh38, 1-based): chr22:28,734,451, C>G on the plus strand (G>C on the coding strand, the complement: CHEK2 is on the minus strand). VCF-style: chr22-28734451-C-G. GRCh37 (hg19) VCF-style: chr22-29130439-C-G.
Other names: c.271G>C, p.Ala91Pro (NM_001005735.3, NM_001349956.3, NM_145862.3); c.-507G>C (NM_001257387.3); c.271G>C (NM_007194.3); short protein forms A91P.
Identifiers: ClinVar variation 1488183 (VCV001488183.10), dbSNP rs2146145205, ClinGen allele CA411090456.